The following is an entry in ClinVar:

ClinVar aggregate classification (germline): Pathogenic (1 of 4 stars; one submission).

Conditions:
Familial intrahepatic cholestasis. Identifiers: Orphanet 284385, MedGen CN296401, MONDO:0017290.

gnomAD v4.1: 1 of 1,614,114 alleles (0.000062%); highest among the groups gnomAD compares: Non-Finnish European, 0.000085%; no homozygotes.

Submission:

Genomenon, Inc
Classification: Pathogenic for Familial intrahepatic cholestasis. Last evaluated: 2026-04-14. Review status: criteria provided, single submitter. Criteria: Genomenon Sequence Variant Interpretation Standards - Updated. Collection method: curation. Allele origin: germline. Affected: yes.
Comment: ABCB4 c.833+1G>T is a canonical splice variant affecting the donor splice site of intron 8. It is predicted to affect mRNA splicing, leading to a deleterious effect on the ABCB4 protein. This variant has been observed in at least one proband with an ABCB4-related disorder (PMID:31728073). A de novo occurrence of this variant has been observed in at least one affected individual (PMID:31728073). It is absent or not present at a significant frequency in gnomAD. In conclusion, we classify ABCB4 c.833+1G>T as a pathogenic variant.

Literature cited by the submitters: PubMed 31728073.

NM_000443.4(ABCB4):c.833+1G>T

Gene: ABCB4 (ATP binding cassette subfamily B member 4; minus strand). Cytogenetic location: 7q21.12.
Variant type: single nucleotide variant.
Coding change: c.833+1G>T on transcript NM_000443.4 (MANE Select); the canonical splice donor site of the intron after coding-DNA position 833, G replaced by T.
Molecular consequence: splice donor variant.
Genome position (GRCh38, 1-based): chr7:87,449,967, C>A on the plus strand (G>T on the coding strand, the complement: ABCB4 is on the minus strand). VCF-style: chr7-87449967-C-A. GRCh37 (hg19) VCF-style: chr7-87079283-C-A.
Other names: c.833+1G>T (NM_018850.3, NM_018849.3).
Identifiers: ClinVar variation 4846379 (VCV004846379.1).